The following is an entry in ClinVar:

ClinVar aggregate classification (germline): Conflicting classifications of pathogenicity. Review status: criteria provided, conflicting classifications (1 of 4 stars). 5 submissions from 5 submitters: Uncertain significance (1); Likely benign (4). Last evaluated 2026-02-04.

Conditions:
NPHP3-related disorder. Also called: NPHP3-related condition; NPHP3-related disorders. Identifiers: MedGen CN379163.
Nephronophthisis. Also called: Juvenile Nephronophthisis. Identifiers: Orphanet 655, MedGen C0687120, MONDO:0019005, HP:0000090.

Allele frequency attached by ClinVar (database versions not stated): gnomAD 0.00001; TOPMed 0.00002; ExAC 0.00003; gnomAD exomes 0.00004.
gnomAD v4.1: 29 of 1,612,918 alleles (0.0018%); highest among the groups gnomAD compares: Non-Finnish European, 0.0023%; no homozygotes.

Submissions (5):

Labcorp Genetics (formerly Invitae), Labcorp
Classification: Likely benign for Nephronophthisis. Last evaluated: 2026-02-04. Review status: criteria provided, single submitter. Criteria: Invitae Variant Classification Sherloc (09022015). Collection method: clinical testing. Allele origin: germline.

PreventionGenetics, part of Exact Sciences
Classification: Likely benign for NPHP3-related condition. Last evaluated: 2024-10-21. Review status: criteria provided, single submitter. Criteria: ACMG Guidelines, 2015. Collection method: clinical testing. Allele origin: germline.
Comment: This variant is classified as likely benign based on ACMG/AMP sequence variant interpretation guidelines (Richards et al. 2015 PMID: 25741868, with internal and published modifications).

Blueprint Genetics
Classification: Likely benign. Last evaluated: 2024-05-30. Review status: criteria provided, single submitter. Criteria: ACMG Guidelines, 2015. Collection method: clinical testing. Allele origin: germline.

Eurofins Ntd Llc (ga)
Classification: Uncertain significance. Last evaluated: 2018-02-09. Review status: criteria provided, single submitter. Criteria: EGL ClinVar v180209 classification definitions. Collection method: clinical testing. Allele origin: germline. Observed: 1 variant allele, 1 heterozygote.

GeneDx
Classification: Likely benign. Last evaluated: 2017-11-08. Review status: criteria provided, single submitter. Criteria: GeneDx Variant Classification (06012015). Collection method: clinical testing. Allele origin: germline. Affected: yes.
Comment: This variant is considered likely benign or benign based on one or more of the following criteria: it is a conservative change, it occurs at a poorly conserved position in the protein, it is predicted to be benign by multiple in silico algorithms, and/or has population frequency not consistent with disease.

NM_153240.5(NPHP3):c.306C>T (p.Arg102=)

Genes: NPHP3 (nephrocystin 3; minus strand), NPHP3-ACAD11 (NPHP3-ACAD11 readthrough (NMD candidate); minus strand), NPHP3-AS1 (NPHP3 antisense RNA 1; plus strand). Cytogenetic location: 3q22.1.
Variant type: single nucleotide variant.
Coding change: c.306C>T on transcript NM_153240.5 (MANE Select); coding-DNA position 306, C replaced by T.
Protein change: p.Arg102=; no amino-acid change (arginine 102 retained).
Molecular consequence: synonymous variant. On other transcripts: non-coding transcript variant (3).
Genome position (GRCh38, 1-based): chr3:132,722,050, G>A on the plus strand (C>T on the coding strand, the complement: NPHP3 is on the minus strand). VCF-style: chr3-132722050-G-A. GRCh37 (hg19) VCF-style: chr3-132440894-G-A.
Identifiers: ClinVar variation 513225 (VCV000513225.18), dbSNP rs762134618, ClinGen allele CA2622666.
Genomic context (GRCh38, chr3:132,722,050, plus strand): 5'-CTCCGTGTCCAGCTTGGCCTCGCGGCGGCCCATGGACAACAACTCCTGGTTCTTGCTGAC[G>A]CGAAAGATCTCGTACTCCTTCCTGAGCCGCTCGTACTCGGCCGCCGCGTACTCCAGCTCT-3'
Protein context (NP_694972.3, residues 92-112): ERLRKEYEIF[Arg102=]VSKNQELLSM